The following is an entry in ClinVar:

NM_033453.4(ITPA):c.160A>G (p.Ile54Val)

Gene: ITPA (inosine triphosphatase; plus strand). Cytogenetic location: 20p13.
Variant type: single nucleotide variant.
Coding change: c.160A>G on transcript NM_033453.4 (MANE Select); coding-DNA position 160, A replaced by G.
Protein change: p.Ile54Val; replaces isoleucine 54 with valine.
Molecular consequence: missense variant. On other transcripts: 5 prime UTR variant (4), intron variant (1).
Genome position (GRCh38, 1-based): chr20:3,213,354, A>G. VCF-style: chr20-3213354-A-G. GRCh37 (hg19) VCF-style: chr20-3194000-A-G.
Other names: c.-178A>G (NM_001324236.2, NM_001324237.2, NM_001324238.2 and 1 more transcripts); c.160A>G, p.Ile54Val (NM_001324240.2); c.109A>G, p.Ile37Val (NM_181493.4); c.67-631A>G (NM_001267623.2); short protein forms I37V, I54V.
Identifiers: ClinVar variation 1042625 (VCV001042625.7), dbSNP rs770808787, ClinGen allele CA9741185.

ClinVar aggregate classification (germline): Uncertain significance (1 of 4 stars; one submission).

Conditions:
Inosine triphosphatase deficiency. Also called: INOSINE TRIPHOSPHATE PYROPHOSPHOHYDROLASE DEFICIENCY. Identifiers: MedGen C0342800, MONDO:0013461, OMIM 613850.

Allele frequency attached by ClinVar (database versions not stated): gnomAD below 0.00001 and 0.00001; gnomAD exomes below 0.00001 and 0.00001; ExAC 0.00001.
gnomAD v4.1: 4 of 1,613,970 alleles (0.00025%); highest among the groups gnomAD compares: South Asian, 0.0011%; no homozygotes.

Submission:

Labcorp Genetics (formerly Invitae), Labcorp
Classification: Uncertain significance for Inosine triphosphatase deficiency. Last evaluated: 2021-08-31. Review status: criteria provided, single submitter. Criteria: Invitae Variant Classification Sherloc (09022015). Collection method: clinical testing. Allele origin: germline.
Comment: This sequence change replaces isoleucine with valine at codon 54 of the ITPA protein (p.Ile54Val). The isoleucine residue is moderately conserved and there is a small physicochemical difference between isoleucine and valine. This variant is present in population databases (rs770808787, ExAC 0.006%). This variant has not been reported in the literature in individuals affected with ITPA-related conditions. Algorithms developed to predict the effect of missense changes on protein structure and function (SIFT, PolyPhen-2, Align-GVGD) all suggest that this variant is likely to be tolerated. In summary, the available evidence is currently insufficient to determine the role of this variant in disease. Therefore, it has been classified as a Variant of Uncertain Significance.